The following is an entry in ClinVar:

NM_153026.3(PRICKLE1):c.1639+4C>T

Gene: PRICKLE1 (prickle planar cell polarity protein 1; minus strand). Cytogenetic location: 12q12.
Variant type: single nucleotide variant.
Coding change: c.1639+4C>T on transcript NM_153026.3 (MANE Select); 4 bases into the intron after coding-DNA position 1639, C replaced by T.
Molecular consequence: intron variant.
Genome position (GRCh38, 1-based): chr12:42,464,391, G>A on the plus strand (C>T on the coding strand, the complement: PRICKLE1 is on the minus strand). VCF-style: chr12-42464391-G-A. GRCh37 (hg19) VCF-style: chr12-42858193-G-A.
Other names: c.1639+4C>T (NM_001144883.2, NM_001144882.2, NM_001144881.2).
Identifiers: ClinVar variation 587894 (VCV000587894.8), dbSNP rs746747159, ClinGen allele CA6519724.

ClinVar aggregate classification (germline): Uncertain significance. Review status: criteria provided, multiple submitters, no conflicts (2 of 4 stars). 2 submissions from 2 submitters: Uncertain significance (2). Last evaluated 2025-07-10.

Conditions:
Epilepsy, progressive myoclonic, 1B. Also called: PME. Identifiers: Orphanet 308, MedGen C2676254, MONDO:0012904, OMIM 612437.

Allele frequency attached by ClinVar (database versions not stated): ExAC 0.00001; gnomAD exomes 0.00001 and 0.00003; gnomAD 0.00002 and 0.00003; TOPMed 0.00002.
gnomAD v4.1: 51 of 1,613,866 alleles (0.0032%); highest among the groups gnomAD compares: South Asian, 0.0066%; no homozygotes.

Submissions (2):

Ambry Genetics
Classification: Uncertain significance. Last evaluated: 2025-07-10. Review status: criteria provided, single submitter. Criteria: Ambry Variant Classification Scheme 2023. Collection method: clinical testing. Allele origin: germline.
Comment: The c.1639+4C>T intronic alteration consists of a C to T substitution nucleotides after coding exon 6 in the PRICKLE1 gene. Based on insufficient or conflicting evidence, the clinical significance of this alteration remains unclear.

Labcorp Genetics (formerly Invitae), Labcorp
Classification: Uncertain significance for Epilepsy, progressive myoclonic, 1B. Last evaluated: 2022-05-06. Review status: criteria provided, single submitter. Criteria: Invitae Variant Classification Sherloc (09022015). Collection method: clinical testing. Allele origin: germline.
Comment: This sequence change falls in intron 7 of the PRICKLE1 gene. It does not directly change the encoded amino acid sequence of the PRICKLE1 protein. It affects a nucleotide within the consensus splice site. This variant is present in population databases (rs746747159, gnomAD 0.006%). This variant has not been reported in the literature in individuals affected with PRICKLE1-related conditions. ClinVar contains an entry for this variant (Variation ID: 587894). Variants that disrupt the consensus splice site are a relatively common cause of aberrant splicing (PMID: 17576681, 9536098). Algorithms developed to predict the effect of sequence changes on RNA splicing suggest that this variant is not likely to affect RNA splicing. In summary, the available evidence is currently insufficient to determine the role of this variant in disease. Therefore, it has been classified as a Variant of Uncertain Significance.

Literature cited by the submitters: PubMed 17576681 (cited by Labcorp Genetics (formerly Invitae), Labcorp); PubMed 9536098 (cited by Labcorp Genetics (formerly Invitae), Labcorp).